The following is an entry in ClinVar:

NM_024334.3(TMEM43):c.662G>C (p.Arg221Pro)

Gene: TMEM43 (transmembrane protein 43; plus strand). Cytogenetic location: 3p25.1.
Variant type: single nucleotide variant.
Coding change: c.662G>C on transcript NM_024334.3 (MANE Select); coding-DNA position 662, G replaced by C.
Protein change: p.Arg221Pro; replaces arginine 221 with proline.
Molecular consequence: missense variant.
Genome position (GRCh38, 1-based): chr3:14,134,848, G>C. VCF-style: chr3-14134848-G-C. GRCh37 (hg19) VCF-style: chr3-14176348-G-C.
Other names: c.665G>C, p.Arg222Pro (NM_001407274.1); c.662G>C, p.Arg221Pro (NM_001407275.1, NM_001407276.1, NM_001407277.1 and 1 more transcripts); c.647G>C, p.Arg216Pro (NM_001407278.1); c.512G>C, p.Arg171Pro (NM_001407280.1); short protein forms R171P, R216P, R221P, R222P.
Identifiers: ClinVar variation 3386083 (VCV003386083.1).

ClinVar aggregate classification (germline): Uncertain significance (1 of 4 stars; one submission).

Conditions:
Arrhythmogenic right ventricular dysplasia 5. Also called: Arrhythmogenic Right Ventricular Dysplasia/Cardiomyopathy 5; ARRHYTHMOGENIC RIGHT VENTRICULAR DYSPLASIA, FAMILIAL, 5. Identifiers: MedGen C1858379, MONDO:0011459, OMIM 604400.

Submission:

All of Us Research Program, National Institutes of Health
Classification: Uncertain significance for Arrhythmogenic right ventricular dysplasia 5. Last evaluated: 2024-07-10. Review status: criteria provided, single submitter. Criteria: ACMG Guidelines, 2015. Collection method: clinical testing. Allele origin: germline. Inheritance: Autosomal dominant inheritance. Observed: 1 variant allele, 1 heterozygote.
Comment: This missense variant replaces arginine with proline at codon 221 of the TMEM43 protein. Computational prediction suggests that this variant may not impact protein structure and function (internally defined REVEL score threshold <= 0.5, PMID: 27666373). To our knowledge, functional studies have not been reported for this variant. This variant has not been reported in individuals affected with TMEM43-related disorders in the literature. This variant has not been identified in the general population by the Genome Aggregation Database (gnomAD). The available evidence is insufficient to determine the role of this variant in disease conclusively. Therefore, this variant is classified as a Variant of Uncertain Significance.

This study involves interpretation of variants in research participants for the purpose of population health screening. Participant phenotype was not available at the time of variant classification. Additional details can be found in publication PMID: 35346344, PMCID: PMC8962531